The following is an entry in ClinVar:

NM_080425.4(GNAS):c.1300G>T (p.Ala434Ser)

Gene: GNAS (GNAS complex locus; plus strand). Cytogenetic location: 20q13.32.
Variant type: single nucleotide variant.
Coding change: c.1300G>T on transcript NM_080425.4 (MANE Plus Clinical); coding-DNA position 1300, G replaced by T.
Protein change: p.Ala434Ser; replaces alanine 434 with serine.
Molecular consequence: missense variant. On other transcripts: intron variant (3).
Genome position (GRCh38, 1-based): chr20:58,854,565, G>T. VCF-style: chr20-58854565-G-T. GRCh37 (hg19) VCF-style: chr20-57429620-G-T.
Other names: c.1113G>T, p.Gln371His (NM_001077490.3, NM_001309883.1); c.1300G>T, p.Ala434Ser (NM_001410913.1); c.*42+13679G>T (NM_016592.5); c.43+13679G>T (NM_001410912.1); c.-39+12690G>T (NM_001309861.2); short protein forms A434S, Q371H.
Identifiers: ClinVar variation 3347941 (VCV003347941.1).

ClinVar aggregate classification (germline): Uncertain significance (0 of 4 stars; one submission).

Conditions:
GNAS-related disorder. Identifiers: MedGen CN380105.

Submission:

PreventionGenetics, part of Exact Sciences
Classification: Uncertain significance for GNAS-related condition. Last evaluated: 2024-05-14. Review status: no assertion criteria provided. Collection method: clinical testing. Allele origin: germline.
Comment: The GNAS c.1300G>T variant is predicted to result in the amino acid substitution p.Ala434Ser. To our knowledge, this variant has not been reported in the literature or in a large population database, indicating this variant is rare. At this time, the clinical significance of this variant is uncertain due to the absence of conclusive functional and genetic evidence.